The following is an entry in ClinVar:

ClinVar aggregate classification (germline): Uncertain significance. Review status: criteria provided, multiple submitters, no conflicts (2 of 4 stars). 4 submissions from 4 submitters: Uncertain significance (4). Last evaluated 2026-01-09.

Conditions:
Cardiac arrhythmia. Also called: Cardiac rhythm disease; Arrhythmia. Identifiers: MedGen C0003811, MONDO:0007263, HP:0011675.
Long QT syndrome (LQTS). Identifiers: MedGen C0023976, MeSH D008133, MONDO:0002442. Disease mechanism: loss of function. Inheritance: Various modes of inheritance.
Cardiovascular phenotype. Identifiers: MedGen CN230736.

Allele frequency attached by ClinVar (database versions not stated): gnomAD 0.00002; gnomAD exomes 0.00001.
gnomAD v4.1: 16 of 1,345,296 alleles (0.0012%); highest among the groups gnomAD compares: African/African-American, 0.0046%; no homozygotes.

Submissions (4):

Women's Health and Genetics/Laboratory Corporation of America, LabCorp
Classification: Uncertain significance. Last evaluated: 2026-01-09. Review status: criteria provided, single submitter. Criteria: LabCorp Variant Classification Summary - May 2015. Collection method: clinical testing. Allele origin: germline.
Comment: Variant summary: KCNH2 c.2383G>A (p.Val795Ile) results in a conservative amino acid change in the encoded protein sequence. Algorithms developed to predict the effect of missense changes on protein structure and function are either unavailable or do not agree on the potential impact of this missense change. The variant allele was found at a frequency of 8e-06 in 250974 control chromosomes. The available data on variant occurrences in the general population are insufficient to allow any conclusion about variant significance. c.2383G>A has been observed in a setting of long QT syndrome genetic testing with limited clinical details (Lieve_2013). These report(s) do not provide unequivocal conclusions about association of the variant with Arrhythmia. To our knowledge, no experimental evidence demonstrating an impact on protein function has been reported. The following publication have been ascertained in the context of this evaluation (PMID: 23631430). ClinVar contains an entry for this variant (Variation ID: 1171063). Based on the evidence outlined above, the variant was classified as uncertain significance.

Labcorp Genetics (formerly Invitae), Labcorp
Classification: Uncertain significance for Long QT syndrome. Last evaluated: 2025-12-27. Review status: criteria provided, single submitter. Criteria: Invitae Variant Classification Sherloc (09022015). Collection method: clinical testing. Allele origin: germline.
Comment: This sequence change replaces valine, which is neutral and non-polar, with isoleucine, which is neutral and non-polar, at codon 795 of the KCNH2 protein (p.Val795Ile). This variant is present in population databases (no rsID available, gnomAD 0.005%). This missense change has been observed in individual(s) with clinical features of KCNH2-related conditions (PMID: 23631430). ClinVar contains an entry for this variant (Variation ID: 1171063). An algorithm developed to predict the effect of missense changes on protein structure and function (PolyPhen-2) suggests that this variant is likely to be disruptive. In summary, the available evidence is currently insufficient to determine the role of this variant in disease. Therefore, it has been classified as a Variant of Uncertain Significance.

Color Diagnostics, LLC DBA Color Health
Classification: Uncertain significance for Cardiac arrhythmia. Last evaluated: 2025-08-26. Review status: criteria provided, single submitter. Criteria: ACMG Guidelines, 2015. Collection method: clinical testing. Allele origin: germline.
Comment: This missense variant replaces valine with isoleucine at codon 795 of the KCNH2 protein. Computational prediction is inconclusive regarding the impact of this variant on protein structure and function. To our knowledge, functional studies have not been reported for this variant. This variant has not been reported in individuals affected with KCNH2-related disorders in the literature. This variant has been identified in 2/250974 chromosomes in the general population by the Genome Aggregation Database (gnomAD). The available evidence is insufficient to determine the role of this variant in disease conclusively. Therefore, this variant is classified as a Variant of Uncertain Significance.

Ambry Genetics
Classification: Uncertain significance for Cardiovascular phenotype. Last evaluated: 2022-02-23. Review status: criteria provided, single submitter. Criteria: Ambry Variant Classification Scheme 2023. Collection method: clinical testing. Allele origin: germline.
Comment: The p.V795I variant (also known as c.2383G>A), located in coding exon 9 of the KCNH2 gene, results from a G to A substitution at nucleotide position 2383. The valine at codon 795 is replaced by isoleucine, an amino acid with highly similar properties. This alteration has been reported in a long QT syndrome genetic testing cohort; however, clinical details were limited (Lieve KV et al. Genet Test Mol Biomarkers, 2013 Jul;17:553-61). This amino acid position is highly conserved in available vertebrate species. In addition, the in silico prediction for this alteration is inconclusive. Since supporting evidence is limited at this time, the clinical significance of this alteration remains unclear.

Literature cited by the submitters: PubMed 23631430 (cited by 3 submitters).

NM_000238.4(KCNH2):c.2383G>A (p.Val795Ile)

Gene: KCNH2 (potassium voltage-gated channel subfamily H member 2; minus strand). Cytogenetic location: 7q36.1.
Variant type: single nucleotide variant.
Coding change: c.2383G>A on transcript NM_000238.4 (MANE Select); coding-DNA position 2383, G replaced by A.
Protein change: p.Val795Ile; replaces valine 795 with isoleucine.
Molecular consequence: missense variant.
Genome position (GRCh38, 1-based): chr7:150,950,183, C>T on the plus strand (G>A on the coding strand, the complement: KCNH2 is on the minus strand). VCF-style: chr7-150950183-C-T. GRCh37 (hg19) VCF-style: chr7-150647271-C-T.
Other names: c.1363G>A, p.Val455Ile (NM_001204798.2, NM_172057.3); c.2095G>A, p.Val699Ile (NM_001406753.1, NM_001406756.1); c.2206G>A, p.Val736Ile (NM_001406755.1); c.2083G>A, p.Val695Ile (NM_001406757.1); c.2383G>A, p.Val795Ile (NM_172056.3); short protein forms V455I, V795I, V736I, V695I, V699I.
Identifiers: ClinVar variation 1171063 (VCV001171063.15), dbSNP rs1002588450, ClinGen allele CA169075715.